The following is an entry in ClinVar:

ClinVar aggregate classification (germline): Uncertain significance (1 of 4 stars; one submission).

Conditions:
SCAPER-related disorder. Also called: SCAPER-related condition.

gnomAD v4.1: 4 of 1,613,894 alleles (0.00025%); highest among the groups gnomAD compares: Non-Finnish European, 0.00034%; no homozygotes.

Submission:

PreventionGenetics, part of Exact Sciences
Classification: Uncertain significance for SCAPER-related condition. Last evaluated: 2025-08-13. Review status: criteria provided, single submitter. Criteria: ACMG Guidelines, 2015. Collection method: clinical testing. Allele origin: germline.
Comment: The SCAPER c.3203G>A variant is predicted to result in the amino acid substitution p.Gly1068Asp. To our knowledge, this variant has not been reported in the literature or in a large population database (gnomAD), indicating this variant is rare. At this time, the clinical significance of this variant is uncertain due to the absence of conclusive functional and genetic evidence.

NM_020843.4(SCAPER):c.3185G>A (p.Gly1062Asp)

Genes: SCAPER (S-phase cyclin A associated protein in the ER; minus strand), LOC126862183 (BRD4-independent group 4 enhancer GRCh37_chr15:76726060-76727259; plus strand). Cytogenetic location: 15q24.3.
Variant type: single nucleotide variant.
Coding change: c.3185G>A on transcript NM_020843.4 (MANE Select); coding-DNA position 3185, G replaced by A.
Protein change: p.Gly1062Asp; replaces glycine 1062 with aspartic acid.
Molecular consequence: missense variant. On other transcripts: non-coding transcript variant (1).
Genome position (GRCh38, 1-based): chr15:76,434,204, C>T on the plus strand (G>A on the coding strand, the complement: SCAPER is on the minus strand). VCF-style: chr15-76434204-C-T. GRCh37 (hg19) VCF-style: chr15-76726545-C-T.
Other names: c.2447G>A, p.Gly816Asp (NM_001145923.2); c.3203G>A, p.Gly1068Asp (NM_001353009.2); c.2783G>A, p.Gly928Asp (NM_001353010.2, NM_001353012.2); c.2801G>A, p.Gly934Asp (NM_001353011.2); short protein forms G934D, G816D, G928D, G1062D, G1068D.
Identifiers: ClinVar variation 4993912 (VCV004993912.1).
Genomic context (GRCh38, chr15:76,434,204, plus strand): 5'-GTTGGTATTTTTGGGGTAGCTGGCTGGCAGTTTCCATCTGGTCGATTGGCAATCAGGCAG[C>T]CCAAAACCACAGCACTGACTTTGAGAAGTCCAGTTGTCAAGCCTTCAAAAACTTGTTTAT-3'
Protein context (NP_065894.2, residues 1052-1072): GLLKVSAVVL[Gly1062Asp]CLIANRPDGN